The following is an entry in ClinVar:

ClinVar aggregate classification (germline): Uncertain significance (1 of 4 stars; one submission).

Conditions:
Hypertrophic cardiomyopathy. Also called: HYPERTROPHIC MYOCARDIOPATHY. Identifiers: Orphanet 217569, MedGen C0007194, MeSH D002312, MONDO:0005045, HP:0001639.

Submission:

Labcorp Genetics (formerly Invitae), Labcorp
Classification: Uncertain significance for Hypertrophic cardiomyopathy. Last evaluated: 2024-01-18. Review status: criteria provided, single submitter. Criteria: Invitae Variant Classification Sherloc (09022015). Collection method: clinical testing. Allele origin: unknown.
Comment: A copy number gain of the genomic region encompassing the full coding sequence of the MYH7 gene has been identified. The boundaries of this event are unknown as they extend beyond the assayed region for this gene and therefore may encompass additional genes. As the precise location of this event is unknown, it may be in tandem or it may be located elsewhere in the genome. This variant has not been reported in the literature in individuals affected with MYH7-related conditions. In summary, the available evidence is currently insufficient to determine the role of this variant in disease. Therefore, it has been classified as a Variant of Uncertain Significance.

NC_000014.8:g.(?_23855117)_(23902941_?)dup

Genes: MIR208B (microRNA 208b; minus strand), MIR208A (microRNA 208a; minus strand), MYH6 (myosin heavy chain 6; minus strand), MYH7 (myosin heavy chain 7; minus strand). Cytogenetic location: 14q11.2.
Variant type: Duplication.
Identifiers: ClinVar variation 3243935 (VCV003243935.1).